The following is an entry in ClinVar:

NM_004304.5(ALK):c.3990C>A (p.Tyr1330Ter)

Gene: ALK (ALK receptor tyrosine kinase; minus strand). Cytogenetic location: 2p23.2.
Variant type: single nucleotide variant.
Coding change: c.3990C>A on transcript NM_004304.5 (MANE Select); coding-DNA position 3990, C replaced by A.
Protein change: p.Tyr1330Ter; replaces tyrosine 1330 with a stop codon.
Molecular consequence: nonsense.
Genome position (GRCh38, 1-based): chr2:29,197,625, G>T on the plus strand (C>A on the coding strand, the complement: ALK is on the minus strand). VCF-style: chr2-29197625-G-T. GRCh37 (hg19) VCF-style: chr2-29420491-G-T.
Other names: c.3990C>A (NM_004304.4); c.786C>A, p.Tyr262Ter (NM_001353765.2); short protein forms Y262*, Y1330*.
Identifiers: ClinVar variation 1485824 (VCV001485824.7), dbSNP rs2148143481, ClinGen allele CA346466240.

ClinVar aggregate classification (germline): Conflicting classifications of pathogenicity. Review status: criteria provided, conflicting classifications (1 of 4 stars). 2 submissions from 2 submitters: Uncertain significance (1); Likely benign (1). Last evaluated 2026-08-03.

Conditions:
Hereditary cancer-predisposing syndrome. Also called: Hereditary Cancer Syndrome; Tumor predisposition; Neoplastic Syndromes, Hereditary; Hereditary neoplastic syndrome. Identifiers: Orphanet 140162, MedGen C0027672, MeSH D009386, MONDO:0015356.
Neuroblastoma, susceptibility to, 3. Also called: ALK-Related Neuroblastic Tumor Susceptibility. Identifiers: Orphanet 635, MedGen C2751681, MONDO:0013083, OMIM 613014.

Submissions (2):

Ambry Genetics
Classification: Likely benign for Hereditary cancer-predisposing syndrome. Last evaluated: 2026-08-03. Review status: criteria provided, single submitter. Criteria: Ambry Variant Classification Scheme 2023. Collection method: clinical testing. Allele origin: germline.

Labcorp Genetics (formerly Invitae), Labcorp
Classification: Uncertain significance for Neuroblastoma, susceptibility to, 3. Last evaluated: 2020-11-17. Review status: criteria provided, single submitter. Criteria: Invitae Variant Classification Sherloc (09022015). Collection method: clinical testing. Allele origin: germline.
Comment: In summary, the available evidence is currently insufficient to determine the role of this variant in disease. Therefore, it has been classified as a Variant of Uncertain Significance. This variant has not been reported in the literature in individuals with ALK-related conditions. This variant is not present in population databases (ExAC no frequency). This sequence change creates a premature translational stop signal (p.Tyr1330*) in the ALK gene. It is expected to result in an absent or disrupted protein product. However, the current clinical and genetic evidence is not sufficient to establish whether loss-of-function variants in ALK cause disease.